The following is an entry in ClinVar:

ClinVar aggregate classification (germline): Uncertain significance (1 of 4 stars; one submission).

Conditions:
Congenital myasthenic syndrome 5. Identifiers: Orphanet 590, MedGen C1864233, MONDO:0011281, OMIM 603034.

Allele frequency attached by ClinVar (database versions not stated): gnomAD 0.00001; TOPMed 0.00001; ExAC 0.00002; gnomAD exomes 0.00004; 1000 Genomes Project 30x 0.00016; 1000 Genomes Project 0.00020.
gnomAD v4.1: 26 of 1,614,152 alleles (0.0016%); highest among the groups gnomAD compares: South Asian, 0.0099%; no homozygotes.

Submission:

Labcorp Genetics (formerly Invitae), Labcorp
Classification: Uncertain significance for Congenital myasthenic syndrome 5. Last evaluated: 2022-09-01. Review status: criteria provided, single submitter. Criteria: Invitae Variant Classification Sherloc (09022015). Collection method: clinical testing. Allele origin: germline.
Comment: This sequence change replaces arginine, which is basic and polar, with glutamine, which is neutral and polar, at codon 127 of the COLQ protein (p.Arg127Gln). This variant is present in population databases (rs201856842, gnomAD 0.02%). This variant has not been reported in the literature in individuals affected with COLQ-related conditions. ClinVar contains an entry for this variant (Variation ID: 580910). Algorithms developed to predict the effect of missense changes on protein structure and function are either unavailable or do not agree on the potential impact of this missense change (SIFT: "Deleterious"; PolyPhen-2: "Not Available"; Align-GVGD: "Class C0"). In summary, the available evidence is currently insufficient to determine the role of this variant in disease. Therefore, it has been classified as a Variant of Uncertain Significance.

NM_005677.4(COLQ):c.380G>A (p.Arg127Gln)

Gene: COLQ (collagen like tail subunit of asymmetric acetylcholinesterase; minus strand). Cytogenetic location: 3p25.1.
Variant type: single nucleotide variant.
Coding change: c.380G>A on transcript NM_005677.4 (MANE Select); coding-DNA position 380, G replaced by A.
Protein change: p.Arg127Gln; replaces arginine 127 with glutamine.
Molecular consequence: missense variant.
Genome position (GRCh38, 1-based): chr3:15,478,990, C>T on the plus strand (G>A on the coding strand, the complement: COLQ is on the minus strand). VCF-style: chr3-15478990-C-T. GRCh37 (hg19) VCF-style: chr3-15520497-C-T.
Other names: c.350G>A, p.Arg117Gln (NM_080538.2); c.278G>A, p.Arg93Gln (NM_080539.4); short protein forms R127Q, R93Q, R117Q.
Identifiers: ClinVar variation 580910 (VCV000580910.7), dbSNP rs201856842, ClinGen allele CA2276204.